The following is an entry in ClinVar:

ClinVar aggregate classification (germline): Uncertain significance (1 of 4 stars; one submission).

Conditions:
Primary ciliary dyskinesia 33. Also called: CILIARY DYSKINESIA, PRIMARY, 33, WITHOUT SITUS INVERSUS. Identifiers: Orphanet 244, MedGen C4225230, MONDO:0014750, OMIM 616726.

Submission:

Labcorp Genetics (formerly Invitae), Labcorp
Classification: Uncertain significance for Primary ciliary dyskinesia 33. Last evaluated: 2022-10-13. Review status: criteria provided, single submitter. Criteria: Invitae Variant Classification Sherloc (09022015). Collection method: clinical testing. Allele origin: germline.
Comment: This variant, c.220_222del, results in the deletion of 1 amino acid(s) of the GAS8 protein (p.Lys74del), but otherwise preserves the integrity of the reading frame. This variant is present in population databases (rs775350365, gnomAD 0.02%). This variant has not been reported in the literature in individuals affected with GAS8-related conditions. Experimental studies and prediction algorithms are not available or were not evaluated, and the functional significance of this variant is currently unknown. In summary, the available evidence is currently insufficient to determine the role of this variant in disease. Therefore, it has been classified as a Variant of Uncertain Significance.

NM_001481.3(GAS8):c.217AAG[1] (p.Lys74del)

Gene: GAS8 (growth arrest specific 8; plus strand). Cytogenetic location: 16q24.3.
Variant type: Microsatellite.
Coding change: c.217AAG[1] on transcript NM_001481.3 (MANE Select); one copy of the 3-base unit AAG starting at c.217; the reference has two copies in a row; one copy, 3 bases deleted.
Protein change: p.Lys74del; deletes lysine 74.
Molecular consequence: inframe deletion. On other transcripts: 5 prime UTR variant (2).
Genome position (GRCh38, 1-based): chr16:90,031,428-90,031,430, AAG deleted; deleting any 3 consecutive bases within chr16:90,031,423-90,031,430 gives the same sequence; the position shown is the placement nearest the transcript's 3' end. VCF-style (leftmost placement, unchanged base first): chr16-90031422-GAGA-G. GRCh37 (hg19) VCF-style: chr16-90097830-GAGA-G.
Other names: c.-33AAG[1] (NM_001286205.2); c.-305AAG[1] (NM_001286208.2); c.142AAG[1], p.Lys49del (NM_001286209.2); short protein forms K74del, K49del.
Identifiers: ClinVar variation 1478982 (VCV001478982.5), dbSNP rs775350365, ClinGen allele CA8257712.